The following is an entry in ClinVar:

ClinVar aggregate classification (germline): Uncertain significance. Review status: criteria provided, multiple submitters, no conflicts (2 of 4 stars). 2 submissions from 2 submitters: Uncertain significance (2). Last evaluated 2024-11-21.

Conditions:
Inborn genetic diseases. Identifiers: MedGen C0950123, MeSH D030342.
Intellectual developmental disorder, autosomal dominant 1. Also called: Intellectual disability, autosomal dominant 1; MBD5 Haploinsufficiency. Identifiers: Orphanet 228402, MedGen C1969562, MONDO:0007974, OMIM 156200.

Allele frequency attached by ClinVar (database versions not stated): TOPMed below 0.00001; gnomAD exomes below 0.00001.
gnomAD v4.1: 1 of 1,614,172 alleles (0.000062%); highest among the groups gnomAD compares: Non-Finnish European, 0.000085%; no homozygotes.

Submissions (2):

Ambry Genetics
Classification: Uncertain significance for Inborn genetic diseases. Last evaluated: 2024-11-21. Review status: criteria provided, single submitter. Criteria: Ambry Variant Classification Scheme 2023. Collection method: clinical testing. Allele origin: germline.

Labcorp Genetics (formerly Invitae), Labcorp
Classification: Uncertain significance for Intellectual developmental disorder, autosomal dominant 1. Last evaluated: 2020-04-23. Review status: criteria provided, single submitter. Criteria: Invitae Variant Classification Sherloc (09022015). Collection method: clinical testing. Allele origin: germline.
Comment: This variant is not present in population databases (ExAC no frequency). This sequence change replaces glycine with cysteine at codon 1079 of the MBD5 protein (p.Gly1079Cys). The glycine residue is highly conserved and there is a large physicochemical difference between glycine and cysteine. This variant has not been reported in the literature in individuals with MBD5-related conditions. In summary, the available evidence is currently insufficient to determine the role of this variant in disease. Therefore, it has been classified as a Variant of Uncertain Significance.

NM_001378120.1(MBD5):c.3934G>T (p.Gly1312Cys)

Gene: MBD5 (methyl-CpG binding domain protein 5; plus strand). Cytogenetic location: 2q23.1.
Variant type: single nucleotide variant.
Coding change: c.3934G>T on transcript NM_001378120.1 (MANE Select); coding-DNA position 3934, G replaced by T.
Protein change: p.Gly1312Cys; replaces glycine 1312 with cysteine.
Molecular consequence: missense variant.
Genome position (GRCh38, 1-based): chr2:148,489,566, G>T. VCF-style: chr2-148489566-G-T. GRCh37 (hg19) VCF-style: chr2-149247135-G-T.
Other names: c.3235G>T, p.Gly1079Cys (NM_018328.5); c.3235G>T (NM_018328.4); short protein forms G1079C, G1312C.
Identifiers: ClinVar variation 1006024 (VCV001006024.10), dbSNP rs1172686822, ClinGen allele CA348725842.